The following is an entry in ClinVar:

NM_002470.4(MYH3):c.4731C>T (p.Ile1577=)

Gene: MYH3 (myosin heavy chain 3; minus strand). Cytogenetic location: 17p13.1.
Variant type: single nucleotide variant.
Coding change: c.4731C>T on transcript NM_002470.4 (MANE Select); coding-DNA position 4731, C replaced by T.
Protein change: p.Ile1577=; no amino-acid change (isoleucine 1577 retained).
Molecular consequence: synonymous variant.
Genome position (GRCh38, 1-based): chr17:10,632,701, G>A on the plus strand (C>T on the coding strand, the complement: MYH3 is on the minus strand). VCF-style: chr17-10632701-G-A. GRCh37 (hg19) VCF-style: chr17-10536018-G-A.
Identifiers: ClinVar variation 129663 (VCV000129663.33), dbSNP rs2285479, ClinGen allele CA153803.

ClinVar aggregate classification (germline): Benign. Review status: criteria provided, multiple submitters, no conflicts (2 of 4 stars). 14 submissions from 10 submitters: Benign (11). 3 of the submissions do not count toward it. Last evaluated 2026-02-04.

Conditions:
Arthrogryposis, distal, type 2B3. Also called: Arthrogryposis, distal, type 2B3 (Sheldon-Hall). Identifiers: MedGen C5193098, MONDO:0032751, OMIM 618436.
Contractures, pterygia, and variable skeletal fusions syndrome 1B. Also called: CONTRACTURES, PTERYGIA, AND SPONDYLOCARPOTARSAL FUSION SYNDROME 1B. Identifiers: MedGen C5193114, MONDO:0020746, OMIM 618469.
Contractures, pterygia, and spondylocarpotarsal fusion syndrome 1A (CPSFS1A). Also called: MULTIPLE PTERYGIUM SYNDROME, AUTOSOMAL DOMINANT; Distal arthrogryposis type 8; Contractures, pterygia, and variable skeletal fusions syndrome 1A. Identifiers: Orphanet 65743, MedGen C1867440, MONDO:0008338, OMIM 178110.
Distal arthrogryposis type 2B1 (DA2B1). Also called: Arthrogryposis multiplex congenita distal type II with craniofacial abnormalities. Identifiers: Orphanet 1147, MedGen C5193014, MONDO:0020820, OMIM 601680.
Freeman-Sheldon syndrome (DA2A). Also called: CRANIOCARPOTARSAL DYSPLASIA; CRANIOCARPOTARSAL DYSTROPHY; Arthrogryposis, distal, type 2A (Freeman-Sheldon); WHISTLING FACE-WINDMILL VANE HAND SYNDROME. Identifiers: Orphanet 2053, MedGen C0265224, MONDO:0008675, OMIM 193700.

Allele frequency attached by ClinVar (database versions not stated): 1000 Genomes Project 30x 0.46611; 1000 Genomes Project 0.46965; TOPMed 0.54889; gnomAD 0.57347 and 0.57510; ESP Exome Variant Server 0.58381; ExAC 0.60895; gnomAD exomes 0.61053 and 0.68709.
gnomAD v4.1: 1,089,570 of 1,613,692 alleles (68%); highest among the groups gnomAD compares: Non-Finnish European, 73%; 379,821 homozygotes.

Submissions (14):

Labcorp Genetics (formerly Invitae), Labcorp
Classification: Benign. Last evaluated: 2026-02-04. Review status: criteria provided, single submitter. Criteria: Invitae Variant Classification Sherloc (09022015). Collection method: clinical testing. Allele origin: germline.

Genome-Nilou Lab
Classification: Benign for Freeman-Sheldon syndrome. Last evaluated: 2021-09-05. Review status: criteria provided, single submitter. Criteria: ACMG Guidelines, 2015. Collection method: clinical testing. Allele origin: germline. Affected: no.

Genome-Nilou Lab
Classification: Benign for Arthrogryposis, distal, type 2B3. Last evaluated: 2021-09-05. Review status: criteria provided, single submitter. Criteria: ACMG Guidelines, 2015. Collection method: clinical testing. Allele origin: germline. Affected: no.

Genome-Nilou Lab
Classification: Benign for Contractures, pterygia, and spondylocarpotarsal fusion syndrome 1A. Last evaluated: 2021-09-05. Review status: criteria provided, single submitter. Criteria: ACMG Guidelines, 2015. Collection method: clinical testing. Allele origin: germline. Affected: no.

Genome-Nilou Lab
Classification: Benign for Contractures, pterygia, and variable skeletal fusions syndrome 1B. Last evaluated: 2021-09-05. Review status: criteria provided, single submitter. Criteria: ACMG Guidelines, 2015. Collection method: clinical testing. Allele origin: germline. Affected: no.

Illumina Laboratory Services, Illumina
Classification: Benign for Freeman-Sheldon syndrome. Last evaluated: 2018-01-12. Review status: criteria provided, single submitter. Criteria: ICSL Variant Classification Criteria 13 December 2019. Collection method: clinical testing. Allele origin: germline.
Comment: This variant was observed in the ICSL laboratory as part of a predisposition screen in an ostensibly healthy population. It had not been previously curated by ICSL or reported in the Human Gene Mutation Database (HGMD: prior to June 1st, 2018), and was therefore a candidate for classification through an automated scoring system. Utilizing variant allele frequency, disease prevalence and penetrance estimates, and inheritance mode, an automated score was calculated to assess if this variant is too frequent to cause the disease. Based on the score and internal cut-off values, a variant classified as benign is not then subjected to further curation. The score for this variant resulted in a classification of benign for this disease.

Illumina Laboratory Services, Illumina
Classification: Benign for Distal arthrogryposis type 2B1. Last evaluated: 2018-01-12. Review status: criteria provided, single submitter. Criteria: ICSL Variant Classification Criteria 13 December 2019. Collection method: clinical testing. Allele origin: germline.
Comment: the same text as in the submission from Illumina Laboratory Services, Illumina above.

GeneDx
Classification: Benign. Last evaluated: 2015-03-03. Review status: criteria provided, single submitter. Criteria: GeneDx Variant Classification Process June 2021. Collection method: clinical testing. Allele origin: germline. Affected: yes.

Genetic Services Laboratory, University of Chicago
Classification: Benign for AllHighlyPenetrant. Last evaluated: 2013-08-15. Review status: criteria provided, single submitter. Criteria: ACMG Guidelines, 2007. Collection method: clinical testing. Allele origin: germline. Inheritance: Autosomal dominant inheritance.

Breakthrough Genomics
Classification: Benign. Review status: criteria provided, single submitter. Criteria: ACMG Guidelines, 2015. Collection method: not provided. Allele origin: germline. Inheritance: Autosomal recessive inheritance. Affected: yes.

PreventionGenetics, part of Exact Sciences
Classification: Benign. Review status: criteria provided, single submitter. Criteria: ACMG Guidelines, 2015. Collection method: clinical testing. Allele origin: germline.

Clinical Genetics, Academic Medical Center
Classification: Benign. Review status: no assertion criteria provided. Collection method: clinical testing. Allele origin: germline. Affected: yes. Study: VKGL Data-share Consensus. Not counted in ClinVar's aggregate classification.

Diagnostic Laboratory, Department of Genetics, University Medical Center Groningen
Classification: Benign. Review status: no assertion criteria provided. Collection method: clinical testing. Allele origin: germline. Affected: yes. Study: VKGL Data-share Consensus. Not counted in ClinVar's aggregate classification.

Joint Genome Diagnostic Labs from Nijmegen and Maastricht, Radboudumc and MUMC+
Classification: Benign. Review status: no assertion criteria provided. Collection method: clinical testing. Allele origin: germline. Affected: yes. Study: VKGL Data-share Consensus. Not counted in ClinVar's aggregate classification.